The following is an entry in ClinVar:

ClinVar aggregate classification (germline): Benign/Likely benign. Review status: criteria provided, multiple submitters, no conflicts (2 of 4 stars). 14 submissions from 13 submitters: Benign (4); Likely benign (10). Last evaluated 2026-02-03.

Conditions:
Hereditary cancer-predisposing syndrome. Also called: Tumor predisposition; Hereditary neoplastic syndrome; Hereditary Cancer Syndrome; Neoplastic Syndromes, Hereditary. Identifiers: Orphanet 140162, MedGen C0027672, MeSH D009386, MONDO:0015356.
Hereditary breast ovarian cancer syndrome. Also called: Hereditary breast and ovarian cancer; Hereditary breast and/or ovarian cancer syndrome; BRCA1- and BRCA2-Associated Hereditary Breast and Ovarian Cancer; Hereditary breast and ovarian cancer syndrome (HBOC); Hereditary breast and ovarian cancer syndrome; Breast and ovarian cancer. Identifiers: Orphanet 145, MedGen C0677776, MeSH D061325, MONDO:0003582. Disease mechanism: loss of function.
Acute lymphoid leukemia (ALL). Also called: Leukemia, acute lymphoblastic, somatic; Lymphoblastic leukemia; Acute lymphoblastic leukemia; Acute lymphocytic leukemia. Identifiers: Orphanet 513, MedGen C0023449, MONDO:0004967, OMIM 613065, HP:0006721.
Microcephaly, normal intelligence and immunodeficiency (NBS). Also called: Nijmegen breakage syndrome; BERLIN BREAKAGE SYNDROME; Ataxia telangiectasia variant V1; SEEMANOVA SYNDROME II; IMMUNODEFICIENCY, MICROCEPHALY, AND CHROMOSOMAL INSTABILITY; Immunodeficiency, microcephaly with normal intelligence. Identifiers: Orphanet 647, MedGen C0398791, MONDO:0009623, OMIM 251260.

Allele frequency attached by ClinVar (database versions not stated): gnomAD exomes 0.00005 and 0.00014; ExAC 0.00013; gnomAD 0.00023 and 0.00025; TOPMed 0.00027; 1000 Genomes Project 30x 0.00031; ESP Exome Variant Server 0.00031; 1000 Genomes Project 0.00040.
gnomAD v4.1: 106 of 1,612,442 alleles (0.0066%); highest among the groups gnomAD compares: African/African-American, 0.08%; no homozygotes.

Submissions (14):

Labcorp Genetics (formerly Invitae), Labcorp
Classification: Likely benign for Microcephaly, normal intelligence and immunodeficiency. Last evaluated: 2026-02-03. Review status: criteria provided, single submitter. Criteria: Invitae Variant Classification Sherloc (09022015). Collection method: clinical testing. Allele origin: germline.

CeGaT Center for Human Genetics Tuebingen
Classification: Likely benign. Last evaluated: 2025-08-01. Review status: criteria provided, single submitter. Criteria: CeGaT Center For Human Genetics Tuebingen Variant Classification Criteria Version 2. Collection method: clinical testing. Allele origin: germline. Affected: yes. Observed: 1 variant allele.
Comment: NBN: BP4, BP7

ARUP Laboratories, Molecular Genetics and Genomics, ARUP Laboratories
Classification: Likely benign. Last evaluated: 2025-03-27. Review status: criteria provided, single submitter. Criteria: ARUP Molecular Germline Variant Investigation Process 2024. Collection method: clinical testing. Allele origin: germline.

KCCC/NGS Laboratory, Kuwait Cancer Control Center
Classification: Benign for Microcephaly, normal intelligence and immunodeficiency. Last evaluated: 2025-02-01. Review status: criteria provided, single submitter. Criteria: ACMG Guidelines, 2015. Collection method: clinical testing. Allele origin: germline. Affected: no.

Blueprint Genetics
Classification: Likely benign. Last evaluated: 2024-04-11. Review status: criteria provided, single submitter. Criteria: ACMG Guidelines, 2015. Collection method: clinical testing. Allele origin: germline.

KCCC/NGS Laboratory, Kuwait Cancer Control Center
Classification: Benign for Acute lymphoid leukemia. Last evaluated: 2023-07-07. Review status: criteria provided, single submitter. Criteria: ACMG Guidelines, 2015. Collection method: clinical testing. Allele origin: germline. Affected: yes.

Sema4
Classification: Likely benign for Hereditary cancer-predisposing syndrome. Last evaluated: 2021-01-27. Review status: criteria provided, single submitter. Criteria: Sema4 Curation Guidelines. Collection method: curation. Allele origin: germline.

Department of Pathology and Laboratory Medicine, Sinai Health System
Classification: Likely benign for Hereditary breast ovarian cancer syndrome. Last evaluated: 2020-03-19. Review status: criteria provided, single submitter. Criteria: ACMG Guidelines, 2015. Collection method: clinical testing. Allele origin: germline. Affected: yes.

Women's Health and Genetics/Laboratory Corporation of America, LabCorp
Classification: Benign. Last evaluated: 2019-08-10. Review status: criteria provided, single submitter. Criteria: LabCorp Variant Classification Summary - May 2015. Collection method: clinical testing. Allele origin: germline.

Genetic Services Laboratory, University of Chicago
Classification: Likely benign. Last evaluated: 2018-05-23. Review status: criteria provided, single submitter. Criteria: ACMG Guidelines, 2015. Collection method: clinical testing. Allele origin: germline. Affected: no.

PreventionGenetics, part of Exact Sciences
Classification: Likely benign. Last evaluated: 2018-01-15. Review status: criteria provided, single submitter. Criteria: ACMG Guidelines, 2015. Collection method: clinical testing. Allele origin: germline.

Ambry Genetics
Classification: Likely benign for Hereditary cancer-predisposing syndrome. Last evaluated: 2014-12-02. Review status: criteria provided, single submitter. Criteria: Ambry Variant Classification Scheme 2023. Collection method: clinical testing. Allele origin: germline.

GeneDx
Classification: Benign. Last evaluated: 2014-04-29. Review status: criteria provided, single submitter. Criteria: GeneDx Variant Classification (06012015). Collection method: clinical testing. Allele origin: germline. Affected: yes.
Comment: This variant is considered likely benign or benign based on one or more of the following criteria: it is a conservative change, it occurs at a poorly conserved position in the protein, it is predicted to be benign by multiple in silico algorithms, and/or has population frequency not consistent with disease.

Breakthrough Genomics
Classification: Likely benign. Review status: criteria provided, single submitter. Criteria: ACMG Guidelines, 2015. Collection method: not provided. Allele origin: germline. Inheritance: Autosomal recessive inheritance. Affected: yes.

NM_002485.5(NBN):c.939G>A (p.Ala313=)

Gene: NBN (nibrin; minus strand). Cytogenetic location: 8q21.3.
Variant type: single nucleotide variant.
Coding change: c.939G>A on transcript NM_002485.5 (MANE Select); coding-DNA position 939, G replaced by A.
Protein change: p.Ala313=; no amino-acid change (alanine 313 retained).
Molecular consequence: synonymous variant.
Genome position (GRCh38, 1-based): chr8:89,964,465, C>T on the plus strand (G>A on the coding strand, the complement: NBN is on the minus strand). VCF-style: chr8-89964465-C-T. GRCh37 (hg19) VCF-style: chr8-90976693-C-T.
Other names: p.A313A:GCG>GCA; c.693G>A, p.Ala231= (NM_001024688.3).
Identifiers: ClinVar variation 136048 (VCV000136048.39), dbSNP rs145750430, ClinGen allele CA292409.